The following is an entry in ClinVar:

NM_004186.5(SEMA3F):c.1997G>A (p.Arg666His)

Gene: SEMA3F (semaphorin 3F; plus strand). Cytogenetic location: 3p21.31.
Variant type: single nucleotide variant.
Coding change: c.1997G>A on transcript NM_004186.5 (MANE Select); coding-DNA position 1997, G replaced by A.
Protein change: p.Arg666His; replaces arginine 666 with histidine.
Molecular consequence: missense variant.
Genome position (GRCh38, 1-based): chr3:50,187,754, G>A. VCF-style: chr3-50187754-G-A. GRCh37 (hg19) VCF-style: chr3-50225187-G-A.
Other names: c.1700G>A, p.Arg567His (NM_001318798.2); c.1904G>A, p.Arg635His (NM_001318800.2); short protein forms R567H, R635H, R666H.
Identifiers: ClinVar variation 3350379 (VCV003350379.1).

ClinVar aggregate classification (germline): Uncertain significance (0 of 4 stars; one submission).

Conditions:
SEMA3F-related disorder. Also called: SEMA3F-related condition.

gnomAD v4.1: 9 of 1,612,854 alleles (0.00056%); highest among the groups gnomAD compares: South Asian, 0.0022%; no homozygotes.

Submission:

PreventionGenetics, part of Exact Sciences
Classification: Uncertain significance for SEMA3F-related condition. Last evaluated: 2023-10-18. Review status: no assertion criteria provided. Collection method: clinical testing. Allele origin: germline.
Comment: The SEMA3F c.1997G>A variant is predicted to result in the amino acid substitution p.Arg666His. To our knowledge, this variant has not been reported in the literature. This variant is reported in 0.0062% of alleles in individuals of African descent in gnomAD. At this time, the clinical significance of this variant is uncertain due to the absence of conclusive functional and genetic evidence.